The following is an entry in ClinVar:

ClinVar aggregate classification (germline): Pathogenic (1 of 4 stars; one submission).

Conditions:
Gorlin syndrome. Also called: Nevoid Basal Cell Carcinoma Syndrome; Basal cell nevus syndrome. Identifiers: Orphanet 377, MedGen C0004779, MONDO:0007187.

Submission:

Labcorp Genetics (formerly Invitae), Labcorp
Classification: Pathogenic for Gorlin syndrome. Last evaluated: 2024-11-03. Review status: criteria provided, single submitter. Criteria: Invitae Variant Classification Sherloc (09022015). Collection method: clinical testing. Allele origin: germline.
Comment: This sequence change creates a premature translational stop signal (p.Ala239Argfs*11) in the PTCH1 gene. It is expected to result in an absent or disrupted protein product. Loss-of-function variants in PTCH1 are known to be pathogenic (PMID: 16301862, 16419085). This variant is not present in population databases (gnomAD no frequency). This variant has not been reported in the literature in individuals affected with PTCH1-related conditions. For these reasons, this variant has been classified as Pathogenic.

Literature cited by the submitters: PubMed 16301862; PubMed 16419085.

NM_000264.5(PTCH1):c.711del (p.Ala239fs)

Gene: PTCH1 (patched 1; minus strand). Cytogenetic location: 9q22.32.
Variant type: Deletion.
Coding change: c.711del on transcript NM_000264.5 (MANE Select); coding-DNA position 711, one base deleted (A; older notation c.711delA).
Protein change: p.Ala239fs; shifts the reading frame from alanine 239.
Molecular consequence: frameshift variant. On other transcripts: non-coding transcript variant (1).
Genome position (GRCh38, 1-based): chr9:95,481,984, T deleted on the plus strand (A on the coding strand, the reverse complement: PTCH1 is on the minus strand); the first of 2 consecutive T bases (chr9:95,481,984-95,481,985); deleting either gives the same sequence. VCF-style (leftmost placement, unchanged base first): chr9-95481983-CT-C. GRCh37 (hg19) VCF-style: chr9-98244265-CT-C.
Other names: c.513del, p.Ala173fs (NM_001083602.3, NM_001354919.2); c.708del, p.Ala238fs (NM_001083603.3); c.258del, p.Ala88fs (NM_001083604.3, NM_001083605.3, NM_001083606.3 and 1 more transcripts); c.711del, p.Ala239fs (NM_001354918.2); short protein forms A173fs, A238fs, A239fs, A88fs.
Identifiers: ClinVar variation 3664011 (VCV003664011.2).